The following is an entry in ClinVar:

NM_000268.4(NF2):c.1447-145G>T

Gene: NF2 (NF2, moesin-ezrin-radixin like (MERLIN) tumor suppressor; plus strand). Cytogenetic location: 22q12.2.
Variant type: single nucleotide variant.
Coding change: c.1447-145G>T on transcript NM_000268.4 (MANE Select); 145 bases into the intron before coding-DNA position 1447, G replaced by T.
Molecular consequence: intron variant.
Genome position (GRCh38, 1-based): chr22:29,678,051, G>T. VCF-style: chr22-29678051-G-T. GRCh37 (hg19) VCF-style: chr22-30074040-G-T.
Other names: c.1447-145G>T (NM_016418.5, NM_181832.3, NM_001407060.1 and 2 more transcripts); c.1333-145G>T (NM_001407056.1, NM_001407053.1); c.1216-145G>T (NM_001407067.1); c.913-145G>T (NM_001407065.1); c.1312-145G>T (NM_001407059.1, NM_001407057.1); c.448-16701G>T (NM_181833.3); c.1324-145G>T (NM_001407058.1, NM_181829.3, NM_001407054.1); c.1189-145G>T (NM_001407062.1); and 2 more.
Identifiers: ClinVar variation 4886387 (VCV004886387.2).

ClinVar aggregate classification (germline): Likely benign (1 of 4 stars; one submission).

gnomAD v4.1: 1,320 of 951,760 alleles (0.14%); highest among the groups gnomAD compares: Non-Finnish European, 0.2%; no homozygotes.

Submission:

Dasa
Classification: Likely benign. Last evaluated: 2025-12-16. Review status: criteria provided, single submitter. Criteria: DASA Assertion Criteria. Collection method: clinical testing. Allele origin: germline.
Comment: NM_000268.4(NF2):c.1447-145G>T is an intronic variant. Population frequency is inconsistent with a disease-causing role for this variant, and the variant context is inconsistent with a known disease-causing mechanism. Therefore, based on the currently available evidence, this variant is classified as likely benign.